The following is an entry in ClinVar:

NM_206937.2(LIG4):c.2675G>T (p.Ser892Ile)

Gene: LIG4 (DNA ligase 4; minus strand). Cytogenetic location: 13q33.3.
Variant type: single nucleotide variant.
Coding change: c.2675G>T on transcript NM_206937.2 (MANE Select); coding-DNA position 2675, G replaced by T.
Protein change: p.Ser892Ile; replaces serine 892 with isoleucine.
Molecular consequence: missense variant.
Genome position (GRCh38, 1-based): chr13:108,208,594, C>A on the plus strand (G>T on the coding strand, the complement: LIG4 is on the minus strand). VCF-style: chr13-108208594-C-A. GRCh37 (hg19) VCF-style: chr13-108860942-C-A.
Other names: c.2711G>T, p.Ser904Ile (NM_001352604.2); c.2675G>T, p.Ser892Ile (NM_001379095.1, NM_002312.3, NM_001098268.2 and 6 more transcripts); c.2474G>T, p.Ser825Ile (NM_001330595.2); short protein forms S825I, S892I, S904I.
Identifiers: ClinVar variation 860567 (VCV000860567.7), dbSNP rs1324979016, ClinGen allele CA388610358.

ClinVar aggregate classification (germline): Uncertain significance (1 of 4 stars; one submission).

Conditions:
DNA ligase IV deficiency. Identifiers: Orphanet 99812, MedGen C1847827, MONDO:0011686, OMIM 606593.

Allele frequency attached by ClinVar (database versions not stated): gnomAD exomes below 0.00001; TOPMed below 0.00001.

Submission:

Labcorp Genetics (formerly Invitae), Labcorp
Classification: Uncertain significance for DNA ligase IV deficiency. Last evaluated: 2022-05-07. Review status: criteria provided, single submitter. Criteria: Invitae Variant Classification Sherloc (09022015). Collection method: clinical testing. Allele origin: germline.
Comment: This sequence change replaces serine, which is neutral and polar, with isoleucine, which is neutral and non-polar, at codon 892 of the LIG4 protein (p.Ser892Ile). This variant is present in population databases (no rsID available, gnomAD 0.003%). This variant has not been reported in the literature in individuals affected with LIG4-related conditions. ClinVar contains an entry for this variant (Variation ID: 860567). Algorithms developed to predict the effect of missense changes on protein structure and function (SIFT, PolyPhen-2, Align-GVGD) all suggest that this variant is likely to be tolerated. In summary, the available evidence is currently insufficient to determine the role of this variant in disease. Therefore, it has been classified as a Variant of Uncertain Significance.